The following is an entry in ClinVar:

ClinVar aggregate classification (germline): Likely pathogenic (1 of 4 stars; one submission).

Conditions:
COL4A5-related disorder. Also called: COL4A5-related condition.

gnomAD v4.1: 1 of 1,210,752 alleles (0.000083%); highest among the groups gnomAD compares: Non-Finnish European, 0.00011%; no homozygotes.

Submission:

PreventionGenetics, part of Exact Sciences
Classification: Likely pathogenic for COL4A5-related condition. Last evaluated: 2024-11-15. Review status: criteria provided, single submitter. Criteria: ACMG Guidelines, 2015. Collection method: clinical testing. Allele origin: germline.
Comment: The COL4A5 c.1690G>A variant is predicted to result in the amino acid substitution p.Gly564Ser. The p.Gly564 residue resides in the triple-helical region (residues 42 – 1456) of the COL4A5 protein. The majority of pathogenic variants in COL4A5 substitute a glycine residue to a bulkier amino acid in the triple-helical domain (Hudson et al. 1993. PubMed ID: 8253711). A different substitution of this amino acid (p.Gly564Cys) has been reported in individuals with Alport syndrome (Colville et al. 2008. PubMed ID: 19019929). To our knowledge, this variant has not been reported in the literature or in a large population database (gnomAD), indicating this variant is rare. This variant is interpreted as likely pathogenic.

NM_033380.3(COL4A5):c.1690G>A (p.Gly564Ser)

Gene: COL4A5 (collagen type IV alpha 5 chain; plus strand). Cytogenetic location: Xq22.3.
Variant type: single nucleotide variant.
Coding change: c.1690G>A on transcript NM_033380.3 (MANE Select); coding-DNA position 1690, G replaced by A.
Protein change: p.Gly564Ser; replaces glycine 564 with serine.
Molecular consequence: missense variant.
Genome position (GRCh38, 1-based): chrX:108,597,479, G>A. VCF-style: chrX-108597479-G-A. GRCh37 (hg19) VCF-style: chrX-107840709-G-A.
Other names: c.1690G>A, p.Gly564Ser (NM_000495.5); short protein forms G564S.
Identifiers: ClinVar variation 5001390 (VCV005001390.1).